The following is an entry in ClinVar:

ClinVar aggregate classification (germline): Pathogenic (1 of 4 stars; one submission).

Submission:

Labcorp Genetics (formerly Invitae), Labcorp
Classification: Pathogenic. Last evaluated: 2022-09-19. Review status: criteria provided, single submitter. Criteria: Invitae Variant Classification Sherloc (09022015). Collection method: clinical testing. Allele origin: germline.
Comment: For these reasons, this variant has been classified as Pathogenic. This premature translational stop signal has been observed in individual(s) with congenital lamellar ichthyosis (PMID: 23192619). This variant is not present in population databases (gnomAD no frequency). This sequence change creates a premature translational stop signal (p.Trp263*) in the TGM1 gene. It is expected to result in an absent or disrupted protein product. Loss-of-function variants in TGM1 are known to be pathogenic (PMID: 18948357, 19241467).

Literature cited by the submitters: PubMed 23192619; PubMed 18948357; PubMed 19241467.

NM_000359.3(TGM1):c.789G>A (p.Trp263Ter)

Gene: TGM1 (transglutaminase 1; minus strand). Cytogenetic location: 14q12.
Variant type: single nucleotide variant.
Coding change: c.789G>A on transcript NM_000359.3 (MANE Select); coding-DNA position 789, G replaced by A.
Protein change: p.Trp263Ter; replaces tryptophan 263 with a stop codon.
Molecular consequence: nonsense.
Genome position (GRCh38, 1-based): chr14:24,260,027, C>T on the plus strand (G>A on the coding strand, the complement: TGM1 is on the minus strand). VCF-style: chr14-24260027-C-T. GRCh37 (hg19) VCF-style: chr14-24729233-C-T.
Other names: short protein forms W263*.
Identifiers: ClinVar variation 2029558 (VCV002029558.4), dbSNP rs2502504291, ClinGen allele CA389270476.